The following is an entry in ClinVar:

NC_000002.11:g.(?_183790430)_(184025859_?)del

Genes: DUSP19 (dual specificity phosphatase 19; plus strand), NCKAP1 (NCK associated protein 1; minus strand), NUP35 (nucleoporin 35; plus strand). Cytogenetic location: 2q32.1.
Variant type: Deletion.
Identifiers: ClinVar variation 1460270 (VCV001460270.1).

ClinVar aggregate classification (germline): Pathogenic (1 of 4 stars; one submission).

Submission:

Labcorp Genetics (formerly Invitae), Labcorp
Classification: Pathogenic. Last evaluated: 2021-01-25. Review status: criteria provided, single submitter. Criteria: Invitae Variant Classification Sherloc (09022015). Collection method: clinical testing. Allele origin: germline.
Comment: A gross deletion of the genomic region encompassing the full coding sequence of the NCKAP1 gene has been identified. Loss-of-function variants in NCKAP1 are known to be pathogenic (PMID: 33157009). The boundaries of this event are unknown as they extend beyond the assayed region for this gene and therefore may encompass additional genes. This variant has not been reported in the literature in individuals with NCKAP1-related conditions. For these reasons, this variant has been classified as Pathogenic.

Literature cited by the submitters: PubMed 33157009.